The following is an entry in ClinVar:

NM_001290060.2(SEMA3B):c.1491+7G>C

Gene: SEMA3B (semaphorin 3B; plus strand). Cytogenetic location: 3p21.31.
Variant type: single nucleotide variant.
Coding change: c.1491+7G>C on transcript NM_001290060.2 (MANE Select); 7 bases into the intron after coding-DNA position 1491, G replaced by C.
Molecular consequence: intron variant.
Genome position (GRCh38, 1-based): chr3:50,275,060, G>C. VCF-style: chr3-50275060-G-C. GRCh37 (hg19) VCF-style: chr3-50312491-G-C.
Other names: c.1491+7G>C (NM_004636.4); c.1488+7G>C (NM_001005914.3); c.1506+7G>C (NM_001290061.1); c.462+7G>C (NM_001290062.2, NM_001290063.2).
Identifiers: ClinVar variation 3036538 (VCV003036538.2), dbSNP rs369551926, ClinGen allele CA2414067.
Genomic context (GRCh38, chr3:50,275,060, plus strand): 5'-CCTCCCTCTCAGGACTCGGCCGCTGTCACCAGCATGCAAATTTCTTCCAAGAGGGTGAGT[G>C]ACCAGGATGGGGGTCGGGGTGGGATGGACTGAGCTTGTGCCTGGCGCGTCCCAAGCCTCT-3'

ClinVar aggregate classification (germline): Likely benign (0 of 4 stars; one submission).

Conditions:
SEMA3B-related disorder. Also called: SEMA3B-related condition.

Allele frequency attached by ClinVar (database versions not stated): ExAC 0.00002; 1000 Genomes Project 0.00020; 1000 Genomes Project 30x 0.00031; ESP Exome Variant Server 0.00008.
gnomAD v4.1: 22 of 1,580,018 alleles (0.0014%); highest among the groups gnomAD compares: African/African-American, 0.016%; no homozygotes.

Submission:

PreventionGenetics, part of Exact Sciences
Classification: Likely benign for SEMA3B-related condition. Last evaluated: 2021-10-29. Review status: no assertion criteria provided. Collection method: clinical testing. Allele origin: germline.
Comment: This variant is classified as likely benign based on ACMG/AMP sequence variant interpretation guidelines (Richards et al. 2015 PMID: 25741868, with internal and published modifications).